The following is an entry in ClinVar:

ClinVar aggregate classification (germline): Uncertain significance (1 of 4 stars; one submission).

Conditions:
Thrombophilia due to protein S deficiency, autosomal recessive (THPH6). Identifiers: Orphanet 743, MedGen C3281092, MONDO:0013791, OMIM 614514. Disease mechanism: loss of function.

Submission:

Labcorp Genetics (formerly Invitae), Labcorp
Classification: Uncertain significance for Thrombophilia due to protein S deficiency, autosomal recessive. Last evaluated: 2023-10-11. Review status: criteria provided, single submitter. Criteria: Invitae Variant Classification Sherloc (09022015). Collection method: clinical testing. Allele origin: germline.
Comment: This sequence change replaces leucine, which is neutral and non-polar, with proline, which is neutral and non-polar, at codon 89 of the PROS1 protein (p.Leu89Pro). This variant is not present in population databases (gnomAD no frequency). This variant has not been reported in the literature in individuals affected with PROS1-related conditions. Advanced modeling of protein sequence and biophysical properties (such as structural, functional, and spatial information, amino acid conservation, physicochemical variation, residue mobility, and thermodynamic stability) has been performed at Invitae for this missense variant, however the output from this modeling did not meet the statistical confidence thresholds required to predict the impact of this variant on PROS1 protein function. In summary, the available evidence is currently insufficient to determine the role of this variant in disease. Therefore, it has been classified as a Variant of Uncertain Significance.

NM_000313.4(PROS1):c.266T>C (p.Leu89Pro)

Gene: PROS1 (protein S; minus strand). Cytogenetic location: 3q11.1.
Variant type: single nucleotide variant.
Coding change: c.266T>C on transcript NM_000313.4 (MANE Select); coding-DNA position 266, T replaced by C.
Protein change: p.Leu89Pro; replaces leucine 89 with proline.
Molecular consequence: missense variant.
Genome position (GRCh38, 1-based): chr3:93,910,699, A>G on the plus strand (T>C on the coding strand, the complement: PROS1 is on the minus strand). VCF-style: chr3-93910699-A-G. GRCh37 (hg19) VCF-style: chr3-93629543-A-G.
Other names: c.362T>C, p.Leu121Pro (NM_001314077.2); short protein forms L121P, L89P.
Identifiers: ClinVar variation 2968342 (VCV002968342.3), dbSNP rs1708748069, ClinGen allele CA353674143.
Genomic context (GRCh38, chr3:93,910,699, plus strand): 5'-TCAGGATAAGCATTAGTTGACTGACGTGCAGCAGTGAATAACCCAGTTTGAAAAGAGCGA[A>G]GACAAACTGAAAATAAAAACAAACATAATCTTCTTAGAGTAGACACACATACTTGATCTG-3'
Protein context (NP_000304.2, residues 79-99): DYFYPKYLVC[Leu89Pro]RSFQTGLFTA